The following is an entry in ClinVar:

ClinVar aggregate classification (germline): Pathogenic (1 of 4 stars; one submission).

Submission:

GeneDx
Classification: Pathogenic. Last evaluated: 2024-02-27. Review status: criteria provided, single submitter. Criteria: GeneDx Variant Classification Process June 2021. Collection method: clinical testing. Allele origin: germline. Affected: yes.
Comment: Nonsense variant predicted to result in protein truncation as the last 203 amino acids are lost in a gene for which loss-of-function is not an established mechanism of disease; Published functional studies demonstrate a damaging effect with this variant resulting in protein with abnormal expression, subcellular distribution and protein interaction (PMID: 34017830); Not observed at significant frequency in large population cohorts (gnomAD); This variant is associated with the following publications: (PMID: 34017830, 35604360)

NM_032108.4(SEMA6B):c.2056C>T (p.Gln686Ter)

Gene: SEMA6B (semaphorin 6B; minus strand). Cytogenetic location: 19p13.3.
Variant type: single nucleotide variant.
Coding change: c.2056C>T on transcript NM_032108.4 (MANE Select); coding-DNA position 2056, C replaced by T.
Protein change: p.Gln686Ter; replaces glutamine 686 with a stop codon.
Molecular consequence: nonsense.
Genome position (GRCh38, 1-based): chr19:4,544,212, G>A on the plus strand (C>T on the coding strand, the complement: SEMA6B is on the minus strand). VCF-style: chr19-4544212-G-A. GRCh37 (hg19) VCF-style: chr19-4544224-G-A.
Other names: short protein forms Q686*.
Identifiers: ClinVar variation 3253144 (VCV003253144.1), dbSNP rs2512182702.